The following is an entry in ClinVar:

ClinVar aggregate classification (germline): Uncertain significance. Review status: criteria provided, multiple submitters, no conflicts (2 of 4 stars). 6 submissions from 6 submitters: Uncertain significance (4). 2 of the submissions do not count toward it. Last evaluated 2025-04-13.

Conditions:
CFTR-related disorder (CFTR-RD). Also called: CFTR-related disorders; CFTR-related condition. Identifiers: MedGen C5924204, MONDO:7770004.
Cystic fibrosis (CF). Also called: MUCOVISCIDOSIS. Identifiers: Orphanet 586, MedGen C0010674, MONDO:0009061, OMIM 219700. Disease mechanism: loss of function.

Allele frequency attached by ClinVar (database versions not stated): gnomAD exomes below 0.00001.
gnomAD v4.1: 3 of 1,613,974 alleles (0.00019%); highest among the groups gnomAD compares: East Asian, 0.0045%; no homozygotes.

Submissions (6):

Ambry Genetics
Classification: Uncertain significance for Cystic fibrosis. Last evaluated: 2025-04-13. Review status: criteria provided, single submitter. Criteria: Ambry Variant Classification Scheme 2023. Collection method: clinical testing. Allele origin: germline.
Comment: The p.P324L variant (also known as c.971C>T), located in coding exon 8 of the CFTR gene, results from a C to T substitution at nucleotide position 971. The proline at codon 324 is replaced by leucine, an amino acid with similar properties. This amino acid position is highly conserved in available vertebrate species. In addition, this alteration is predicted to be deleterious by in silico analysis. Based on the available evidence, the clinical significance of this variant remains unclear.

Genome-Nilou Lab
Classification: Uncertain significance for Cystic fibrosis. Last evaluated: 2021-09-05. Review status: criteria provided, single submitter. Criteria: ACMG Guidelines, 2015. Collection method: clinical testing. Allele origin: germline. Affected: no.

Labcorp Genetics (formerly Invitae), Labcorp
Classification: Uncertain significance for Cystic fibrosis. Last evaluated: 2021-08-27. Review status: criteria provided, single submitter. Criteria: Invitae Variant Classification Sherloc (09022015). Collection method: clinical testing. Allele origin: germline.
Comment: This sequence change replaces proline with leucine at codon 324 of the CFTR protein (p.Pro324Leu). The proline residue is moderately conserved and there is a moderate physicochemical difference between proline and leucine. This variant is not present in population databases (ExAC no frequency). This variant has not been reported in the literature in individuals affected with CFTR-related conditions. ClinVar contains an entry for this variant (Variation ID: 54095). Algorithms developed to predict the effect of missense changes on protein structure and function (SIFT, PolyPhen-2, Align-GVGD) all suggest that this variant is likely to be tolerated. In summary, the available evidence is currently insufficient to determine the role of this variant in disease. Therefore, it has been classified as a Variant of Uncertain Significance.

ARUP Laboratories, Molecular Genetics and Genomics, ARUP Laboratories
Classification: Uncertain significance. Last evaluated: 2020-05-14. Review status: criteria provided, single submitter. Criteria: ARUP Molecular Germline Variant Investigation Process. Collection method: clinical testing. Allele origin: germline.
Comment: The CFTR c.971C>T; p.Pro324Leu variant (rs397508822), to our knowledge, is not reported in the medical literature but is reported in an infant who also carried two copies of a pathogenic variant in the cystic fibrosis mutation database (see link). This variant is reported in ClinVar (Variation ID: 54095), but is absent from general population databases (Exome Variant Server, Genome Aggregation Database), indicating it is not a common polymorphism. The proline at codon 324 is highly conserved, and computational analyses (SIFT: tolerated, PolyPhen-2: probably damaging) predict conflicting effects of this variant on protein structure/function. Due to limited information, the clinical significance of the p.Pro324Leu variant is uncertain at this time.

Natera, Inc.
Classification: Uncertain significance for CFTR-related disorders. Last evaluated: 2020-11-02. Review status: no assertion criteria provided. Collection method: clinical testing. Allele origin: germline. Not counted in ClinVar's aggregate classification.

Counsyl
Classification: Uncertain significance for Cystic fibrosis. Last evaluated: 2017-05-10. Review status: no assertion criteria provided. Collection method: clinical testing. Allele origin: unknown. Not counted in ClinVar's aggregate classification.

NM_000492.4(CFTR):c.971C>T (p.Pro324Leu)

Gene: CFTR (CF transmembrane conductance regulator; plus strand). Cytogenetic location: 7q31.2.
Variant type: single nucleotide variant.
Coding change: c.971C>T on transcript NM_000492.4 (MANE Select); coding-DNA position 971, C replaced by T.
Protein change: p.Pro324Leu; replaces proline 324 with leucine.
Molecular consequence: missense variant.
Genome position (GRCh38, 1-based): chr7:117,540,201, C>T. VCF-style: chr7-117540201-C-T. GRCh37 (hg19) VCF-style: chr7-117180255-C-T.
Other names: short protein forms P324L.
Identifiers: ClinVar variation 54095 (VCV000054095.20), dbSNP rs397508822, ClinGen allele CA327705.